The following is an entry in ClinVar:

ClinVar aggregate classification (germline): Uncertain significance (1 of 4 stars; one submission).

Submission:

Labcorp Genetics (formerly Invitae), Labcorp
Classification: Uncertain significance. Last evaluated: 2022-03-03. Review status: criteria provided, single submitter. Criteria: Invitae Variant Classification Sherloc (09022015). Collection method: clinical testing. Allele origin: germline.
Comment: This sequence change replaces methionine, which is neutral and non-polar, with isoleucine, which is neutral and non-polar, at codon 231 of the PTH1R protein (p.Met231Ile). In summary, the available evidence is currently insufficient to determine the role of this variant in disease. Therefore, it has been classified as a Variant of Uncertain Significance. Algorithms developed to predict the effect of missense changes on protein structure and function are either unavailable or do not agree on the potential impact of this missense change (SIFT: "Deleterious"; PolyPhen-2: "Benign"; Align-GVGD: "Class C0"). This variant has not been reported in the literature in individuals affected with PTH1R-related conditions. This variant is not present in population databases (gnomAD no frequency).

NM_000316.3(PTH1R):c.693G>A (p.Met231Ile)

Gene: PTH1R (parathyroid hormone 1 receptor; plus strand). Cytogenetic location: 3p21.31.
Variant type: single nucleotide variant.
Coding change: c.693G>A on transcript NM_000316.3 (MANE Select); coding-DNA position 693, G replaced by A.
Protein change: p.Met231Ile; replaces methionine 231 with isoleucine.
Molecular consequence: missense variant.
Genome position (GRCh38, 1-based): chr3:46,898,716, G>A. VCF-style: chr3-46898716-G-A. GRCh37 (hg19) VCF-style: chr3-46940206-G-A.
Other names: c.693G>A, p.Met231Ile (NM_001184744.1); short protein forms M231I.
Identifiers: ClinVar variation 2097162 (VCV002097162.4), dbSNP rs2031922682, ClinGen allele CA352496492.